The following is an entry in ClinVar:

ClinVar aggregate classification (germline): Conflicting classifications of pathogenicity. Review status: criteria provided, conflicting classifications (1 of 4 stars). 7 submissions from 7 submitters: Uncertain significance (6); Likely benign (1). Last evaluated 2025-03-11.

Conditions:
Familial pancreatic carcinoma. Identifiers: Orphanet 1333, MedGen C2931038, MONDO:0015278, OMIM 260350.
Hereditary cancer-predisposing syndrome. Also called: Hereditary neoplastic syndrome; Neoplastic Syndromes, Hereditary; Tumor predisposition; Hereditary Cancer Syndrome. Identifiers: Orphanet 140162, MedGen C0027672, MeSH D009386, MONDO:0015356.
Hereditary breast ovarian cancer syndrome. Also called: Hereditary breast and ovarian cancer syndrome (HBOC); Breast and ovarian cancer; Hereditary breast and/or ovarian cancer syndrome; BRCA1- and BRCA2-Associated Hereditary Breast and Ovarian Cancer; Hereditary breast and ovarian cancer syndrome; Hereditary breast and ovarian cancer. Identifiers: Orphanet 145, MedGen C0677776, MeSH D061325, MONDO:0003582. Disease mechanism: loss of function.

Allele frequency attached by ClinVar (database versions not stated): gnomAD exomes 0.00001.
gnomAD v4.1: 14 of 1,613,824 alleles (0.00087%); highest among the groups gnomAD compares: Non-Finnish European, 0.0012%; no homozygotes.

Submissions (7):

Women's Health and Genetics/Laboratory Corporation of America, LabCorp
Classification: Uncertain significance. Last evaluated: 2025-03-11. Review status: criteria provided, single submitter. Criteria: LabCorp Variant Classification Summary - May 2015. Collection method: clinical testing. Allele origin: germline.
Comment: Variant summary: BRCA2 c.8011G>T (p.Ala2671Ser) results in a conservative amino acid change in the encoded protein sequence. Four of five in-silico tools predict a damaging effect of the variant on protein function. The variant was absent in 250830 control chromosomes. The available data on variant occurrences in the general population are insufficient to allow any conclusion about variant significance. c.8011G>T has been reported in the literature in individuals affected with Melanoma (Johansson_2019). These report(s) do not provide unequivocal conclusions about association of the variant with Hereditary Breast And Ovarian Cancer Syndrome. At least one publication reports an HDR assay, evaluating an impact on protein function. These results showed no damaging effect of this variant (Richardson_2021). The following publications have been ascertained in the context of this evaluation (PMID: 31464824, 33609447). ClinVar contains an entry for this variant (Variation ID: 185168). Based on the evidence outlined above, the variant was classified as uncertain significance.

Labcorp Genetics (formerly Invitae), Labcorp
Classification: Uncertain significance for Hereditary breast ovarian cancer syndrome. Last evaluated: 2024-10-09. Review status: criteria provided, single submitter. Criteria: Invitae Variant Classification Sherloc (09022015). Collection method: clinical testing. Allele origin: germline.
Comment: This sequence change replaces alanine, which is neutral and non-polar, with serine, which is neutral and polar, at codon 2671 of the BRCA2 protein (p.Ala2671Ser). This variant is not present in population databases (gnomAD no frequency). This missense change has been observed in individual(s) with melanoma (PMID: 31464824). ClinVar contains an entry for this variant (Variation ID: 185168). Invitae Evidence Modeling incorporating data from in vitro experimental studies (PMID: 33609447) indicates that this missense variant is not expected to disrupt BRCA2 function with a negative predictive value of 95%. In summary, the available evidence is currently insufficient to determine the role of this variant in disease. Therefore, it has been classified as a Variant of Uncertain Significance.

Department of Pathology and Laboratory Medicine, Sinai Health System
Classification: Uncertain significance for Familial pancreatic carcinoma. Last evaluated: 2022-08-19. Review status: criteria provided, single submitter. Criteria: ACMG Guidelines, 2015. Collection method: clinical testing. Allele origin: germline. Affected: yes.

Sema4
Classification: Uncertain significance for Hereditary cancer-predisposing syndrome. Last evaluated: 2021-09-24. Review status: criteria provided, single submitter. Criteria: Sema4 Curation Guidelines. Collection method: curation. Allele origin: germline.
Comment: The BRCA2 c.8011G>T (p.A2671S) variant has been reported in heterozygosity in at least one individual with cutaneous melanoma (PMID: 31464824). It was not observed in the large and broad cohorts of the Genome Aggregation Database. The variant has been reported in ClinVar (Variation ID 185168). Functional studies have not been performed, and in silico predictions of the variant's effect on protein function are inconclusive. The evidence is insufficient to meet ACMG/AMP criteria for classifying the variant as benign or pathogenic. Thus, the clinical significance of this variant is currently uncertain.

Quest Diagnostics Nichols Institute San Juan Capistrano
Classification: Uncertain significance. Last evaluated: 2020-11-05. Review status: criteria provided, single submitter. Criteria: Quest Diagnostics criteria. Collection method: clinical testing. Allele origin: unknown.

Color Diagnostics, LLC DBA Color Health
Classification: Uncertain significance for Hereditary cancer-predisposing syndrome. Last evaluated: 2020-08-26. Review status: criteria provided, single submitter. Criteria: ACMG Guidelines, 2015. Collection method: clinical testing. Allele origin: germline.
Comment: This missense variant replaces alanine with serine at codon 2671 of the BRCA2 protein. Computational prediction is inconclusive regarding the impact of this variant on protein structure and function (internally defined REVEL score threshold 0.5 < inconclusive < 0.7, PMID: 27666373). To our knowledge, functional studies have not been reported for this variant. This variant has not been reported in individuals affected with hereditary cancer in the literature. This variant has not been identified in the general population by the Genome Aggregation Database (gnomAD). The available evidence is insufficient to determine the role of this variant in disease conclusively. Therefore, this variant is classified as a Variant of Uncertain Significance.

Ambry Genetics
Classification: Likely benign for Hereditary cancer-predisposing syndrome. Last evaluated: 2020-01-24. Review status: criteria provided, single submitter. Criteria: Ambry Variant Classification Scheme 2023. Collection method: clinical testing. Allele origin: germline.

Literature cited by the submitters: PubMed 33609447 (cited by Women's Health and Genetics/Laboratory Corporation of America, LabCorp and Labcorp Genetics (formerly Invitae), Labcorp); PubMed 31464824 (cited by 4 submitters); PubMed 32377563 (cited by Quest Diagnostics Nichols Institute San Juan Capistrano).

NM_000059.4(BRCA2):c.8011G>T (p.Ala2671Ser)

Gene: BRCA2 (BRCA2 DNA repair associated; plus strand). Cytogenetic location: 13q13.1.
Variant type: single nucleotide variant.
Coding change: c.8011G>T on transcript NM_000059.4 (MANE Select); coding-DNA position 8011, G replaced by T.
Protein change: p.Ala2671Ser; replaces alanine 2671 with serine.
Molecular consequence: missense variant.
Genome position (GRCh38, 1-based): chr13:32,363,213, G>T. VCF-style: chr13-32363213-G-T. GRCh37 (hg19) VCF-style: chr13-32937350-G-T.
Other names: short protein forms A2671S.
Identifiers: ClinVar variation 185168 (VCV000185168.23), dbSNP rs786201976, ClinGen allele CA025405.